The following is an entry in ClinVar:

NM_000059.4(BRCA2):c.2962G>A (p.Asp988Asn)

Gene: BRCA2 (BRCA2 DNA repair associated; plus strand). Cytogenetic location: 13q13.1.
Variant type: single nucleotide variant.
Coding change: c.2962G>A on transcript NM_000059.4 (MANE Select); coding-DNA position 2962, G replaced by A.
Protein change: p.Asp988Asn; replaces aspartic acid 988 with asparagine.
Molecular consequence: missense variant.
Genome position (GRCh38, 1-based): chr13:32,337,317, G>A. VCF-style: chr13-32337317-G-A. GRCh37 (hg19) VCF-style: chr13-32911454-G-A.
Other names: short protein forms D988N.
Identifiers: ClinVar variation 1050363 (VCV001050363.3), dbSNP rs1593898237, ClinGen allele CA387774463.
Genomic context (GRCh38, chr13:32,337,317, plus strand): 5'-GGTCAAGATTTAAAATCGGACATCTCCTTGAATATAGATAAAATACCAGAAAAAAATAAT[G>A]ATTACATGAACAAATGGGCAGGACTCTTAGGTCCAATTTCAAATCACAGTTTTGGAGGTA-3'
Protein context (NP_000050.3, residues 978-998): NIDKIPEKNN[Asp988Asn]YMNKWAGLLG

ClinVar aggregate classification (germline): Likely benign. Review status: criteria provided, single submitter (1 of 4 stars). 2 submissions from 2 submitters: Likely benign (1). 1 of the submissions does not count toward it. Last evaluated 2023-03-23.

Conditions:
Hereditary cancer-predisposing syndrome. Also called: Tumor predisposition; Hereditary neoplastic syndrome; Hereditary Cancer Syndrome; Neoplastic Syndromes, Hereditary. Identifiers: Orphanet 140162, MedGen C0027672, MeSH D009386, MONDO:0015356.

Submissions (2):

University of Washington Department of Laboratory Medicine, University of Washington
Classification: Likely benign for Hereditary cancer-predisposing syndrome. Last evaluated: 2023-03-23. Review status: criteria provided, single submitter. Criteria: Dines et al. (Genet Med. 2020). Collection method: curation. Allele origin: germline.
Comment: Missense variant in a coldspot region where missense variants are very unlikely to be pathogenic (PMID:31911673).

BRCA2 exon 11 coldspot. Reclassification based on statistical prior probability.

Department of Pathology and Laboratory Medicine, Sinai Health System
Classification: Uncertain significance. Review status: no assertion criteria provided. Collection method: clinical testing. Allele origin: unknown. Affected: yes. Study: The Canadian Open Genetics Repository (COGR). Not counted in ClinVar's aggregate classification.
Comment: The BRCA2 p.Asp988Asn variant was not identified in the literature nor was it identified in the ClinVar, LOVD 3.0, or UMD-LSDB databases. The variant was not identified in the following control databases: the Exome Aggregation Consortium (August 8th 2016), or the Genome Aggregation Database (Feb 27, 2017). The variant was identified once in the Endometrial Cancer Gene Database as a somatic variant in an individual with endometrial cancer. The p.Asp988 residue is not conserved in mammals and computational analyses (PolyPhen-2, SIFT, AlignGVGD, BLOSUM, MutationTaster) do not suggest a high likelihood of impact to the protein; however, this information is not predictive enough to rule out pathogenicity. The variant occurs outside of the splicing consensus sequence and in silico or computational prediction software programs (SpliceSiteFinder, MaxEntScan, NNSPLICE, GeneSplicer) do not predict a difference in splicing. In summary, based on the above information the clinical significance of this variant cannot be determined with certainty at this time. This variant is classified as a variant of uncertain significance.